The following is an entry in ClinVar:

NM_001005498.4(RHBDF2):c.1105G>A (p.Asp369Asn)

Gene: RHBDF2 (rhomboid 5 homolog 2; minus strand). Cytogenetic location: 17q25.1.
Variant type: single nucleotide variant.
Coding change: c.1105G>A on transcript NM_001005498.4 (MANE Select); coding-DNA position 1105, G replaced by A.
Protein change: p.Asp369Asn; replaces aspartic acid 369 with asparagine.
Molecular consequence: missense variant. On other transcripts: non-coding transcript variant (3).
Genome position (GRCh38, 1-based): chr17:76,476,840, C>T on the plus strand (G>A on the coding strand, the complement: RHBDF2 is on the minus strand). VCF-style: chr17-76476840-C-T. GRCh37 (hg19) VCF-style: chr17-74472922-C-T.
Other names: c.1105G>A, p.Asp369Asn (NM_001376228.1, NM_001376229.1, NM_001376230.1); c.1192G>A, p.Asp398Asn (NM_024599.5); short protein forms D369N, D398N.
Identifiers: ClinVar variation 4718301 (VCV004718301.1).

ClinVar aggregate classification (germline): Uncertain significance (1 of 4 stars; one submission).

gnomAD v4.1: 19 of 1,603,910 alleles (0.0012%); highest among the groups gnomAD compares: East Asian, 0.0045%; no homozygotes.

Submission:

Labcorp Genetics (formerly Invitae), Labcorp
Classification: Uncertain significance. Last evaluated: 2025-06-29. Review status: criteria provided, single submitter. Criteria: Invitae Variant Classification Sherloc (09022015). Collection method: clinical testing. Allele origin: germline.
Comment: This sequence change replaces aspartic acid, which is acidic and polar, with asparagine, which is neutral and polar, at codon 398 of the RHBDF2 protein (p.Asp398Asn). This variant is present in population databases (no rsID available, gnomAD 0.005%). This variant has not been reported in the literature in individuals affected with RHBDF2-related conditions. An algorithm developed to predict the effect of missense changes on protein structure and function (PolyPhen-2) suggests that this variant is likely to be tolerated. In summary, the available evidence is currently insufficient to determine the role of this variant in disease. Therefore, it has been classified as a Variant of Uncertain Significance.